The following is an entry in ClinVar:

ClinVar aggregate classification (germline): Uncertain significance. Review status: criteria provided, multiple submitters, no conflicts (2 of 4 stars). 4 submissions from 4 submitters: Uncertain significance (4). Last evaluated 2025-09-30.

Conditions:
Ataxia-telangiectasia syndrome (AT). Also called: LOUIS-BAR SYNDROME; Cerebello-oculocutaneous telangiectasia; Immunodeficiency with ataxia telangiectasia; Ataxia-telangiectasia, complementation group D; AT, COMPLEMENTATION GROUP C; ATAXIA-TELANGIECTASIA, COMPLEMENTATION GROUP A. Identifiers: Orphanet 100, MedGen C0004135, MONDO:0008840, OMIM 208900.
Hereditary cancer-predisposing syndrome. Also called: Neoplastic Syndromes, Hereditary; Tumor predisposition; Hereditary Cancer Syndrome; Hereditary neoplastic syndrome. Identifiers: Orphanet 140162, MedGen C0027672, MeSH D009386, MONDO:0015356.
Familial cancer of breast. Also called: BREAST CANCER, FAMILIAL; Hereditary breast cancer; hereditary breast carcinoma. Identifiers: Orphanet 227535, MedGen C0346153, MONDO:0016419, OMIM 114480. Disease mechanism: loss of function.

Submissions (4):

Ambry Genetics
Classification: Uncertain significance for Hereditary cancer-predisposing syndrome. Last evaluated: 2025-09-30. Review status: criteria provided, single submitter. Criteria: Ambry Variant Classification Scheme 2023. Collection method: clinical testing. Allele origin: germline.
Comment: The c.332-4A>G intronic variant results from an A to G substitution 4 nucleotides upstream from coding exon 4 in the ATM gene. This nucleotide position is well conserved in available vertebrate species. In silico splice site analysis predicts that this alteration may weaken the native splice acceptor site and will result in the creation or strengthening of a novel splice acceptor site. RNA studies have demonstrated that this alteration results in a transcript predicted to lead to a protein with an in-frame insertion of 2 and deletion of 1 amino acid(s); however, the exact functional impact of the inserted/deleted amino acid(s) is unknown at this time (Ambry internal data). Based on the available evidence, the clinical significance of this variant remains unclear.

Labcorp Genetics (formerly Invitae), Labcorp
Classification: Uncertain significance for Ataxia-telangiectasia syndrome. Last evaluated: 2024-07-17. Review status: criteria provided, single submitter. Criteria: Invitae Variant Classification Sherloc (09022015). Collection method: clinical testing. Allele origin: germline.
Comment: This sequence change falls in intron 4 of the ATM gene. It does not directly change the encoded amino acid sequence of the ATM protein. This variant is not present in population databases (gnomAD no frequency). This variant has not been reported in the literature in individuals affected with ATM-related conditions. ClinVar contains an entry for this variant (Variation ID: 1730231). Studies have shown that this variant is associated with altered splicing resulting in multiple RNA products (Invitae). In summary, the available evidence is currently insufficient to determine the role of this variant in disease. Therefore, it has been classified as a Variant of Uncertain Significance.

Baylor Genetics
Classification: Uncertain significance for Familial cancer of breast. Last evaluated: 2024-02-22. Review status: criteria provided, single submitter. Criteria: ACMG Guidelines, 2015. Collection method: clinical testing. Allele origin: unknown.

GeneDx
Classification: Uncertain significance. Last evaluated: 2024-01-08. Review status: criteria provided, single submitter. Criteria: GeneDx Variant Classification Process June 2021. Collection method: clinical testing. Allele origin: germline. Affected: yes.
Comment: Not observed at significant frequency in large population cohorts (gnomAD); In silico analysis supports a deleterious effect on splicing; Has not been previously published as pathogenic or benign to our knowledge

NM_000051.4(ATM):c.332-4A>G

Gene: ATM (ATM serine/threonine kinase; plus strand). Cytogenetic location: 11q22.3.
Variant type: single nucleotide variant.
Coding change: c.332-4A>G on transcript NM_000051.4 (MANE Select); 4 bases into the intron before coding-DNA position 332, A replaced by G.
Molecular consequence: intron variant.
Genome position (GRCh38, 1-based): chr11:108,235,666, A>G. VCF-style: chr11-108235666-A-G. GRCh37 (hg19) VCF-style: chr11-108106393-A-G.
Other names: c.332-4A>G (NM_001351834.2).
Identifiers: ClinVar variation 1730231 (VCV001730231.8), dbSNP rs2135120646, ClinGen allele CA2580082952.